The following is an entry in ClinVar:

NM_001377540.1(SLMAP):c.2153G>A (p.Ser718Asn)

Gene: SLMAP (sarcolemma associated protein; plus strand). Cytogenetic location: 3p14.3.
Variant type: single nucleotide variant.
Coding change: c.2153G>A on transcript NM_001377540.1 (MANE Select); coding-DNA position 2153, G replaced by A.
Protein change: p.Ser718Asn; replaces serine 718 with asparagine.
Molecular consequence: missense variant. On other transcripts: non-coding transcript variant (1).
Genome position (GRCh38, 1-based): chr3:57,916,920, G>A. VCF-style: chr3-57916920-G-A. GRCh37 (hg19) VCF-style: chr3-57902647-G-A.
Other names: c.2102G>A, p.Ser701Asn (NM_001304420.3, NM_001377541.1, NM_001377542.1); c.1988G>A, p.Ser663Asn (NM_001304421.2, NM_001377557.1, NM_001377559.1); c.704G>A, p.Ser235Asn (NM_001304422.3, NM_001311178.2); c.506G>A, p.Ser169Asn (NM_001304423.3); c.581G>A, p.Ser194Asn (NM_001311179.2, NM_001377926.1, NM_001377927.1); c.2174G>A, p.Ser725Asn (NM_001377538.1); c.2153G>A, p.Ser718Asn (NM_001377539.1); c.2090G>A, p.Ser697Asn (NM_001377545.1); and 8 more; short protein forms S169N, S194N, S235N, S622N, S639N, S643N, S656N, S660N.
Identifiers: ClinVar variation 3617437 (VCV003617437.2).

ClinVar aggregate classification (germline): Uncertain significance (1 of 4 stars; one submission).

Conditions:
Brugada syndrome. Also called: Sudden unexpected nocturnal death syndrome; Sudden unexplained nocturnal death syndrome; Sudden Unexplained Death Syndrome; Sudden Unexplained Nocturnal Death Syndrome (SUNDS). Identifiers: Orphanet 130, MedGen C1142166, MONDO:0015263.

gnomAD v4.1: 2 of 1,613,700 alleles (0.00012%); highest among the groups gnomAD compares: Non-Finnish European, 0.00017%; no homozygotes.

Submission:

Labcorp Genetics (formerly Invitae), Labcorp
Classification: Uncertain significance for Brugada syndrome. Last evaluated: 2024-11-04. Review status: criteria provided, single submitter. Criteria: Invitae Variant Classification Sherloc (09022015). Collection method: clinical testing. Allele origin: germline.
Comment: This sequence change replaces serine, which is neutral and polar, with asparagine, which is neutral and polar, at codon 684 of the SLMAP protein (p.Ser684Asn). This variant is present in population databases (rs779912722, gnomAD 0.0009%). This variant has not been reported in the literature in individuals affected with SLMAP-related conditions. An algorithm developed to predict the effect of missense changes on protein structure and function (PolyPhen-2) suggests that this variant is likely to be disruptive. In summary, the available evidence is currently insufficient to determine the role of this variant in disease. Therefore, it has been classified as a Variant of Uncertain Significance.